The following is an entry in ClinVar:

NM_001267550.2(TTN):c.23537T>A (p.Phe7846Tyr)

Gene: TTN (titin; minus strand). Cytogenetic location: 2q31.2.
Variant type: single nucleotide variant.
Coding change: c.23537T>A on transcript NM_001267550.2 (MANE Select); coding-DNA position 23537, T replaced by A.
Protein change: p.Phe7846Tyr; replaces phenylalanine 7846 with tyrosine.
Molecular consequence: missense variant. On other transcripts: intron variant (3).
Genome position (GRCh38, 1-based): chr2:178,720,105, A>T on the plus strand (T>A on the coding strand, the complement: TTN is on the minus strand). VCF-style: chr2-178720105-A-T. GRCh37 (hg19) VCF-style: chr2-179584832-A-T.
Other names: c.19805T>A, p.Phe6602Tyr (NM_133378.4); c.22586T>A, p.Phe7529Tyr (NM_001256850.1); c.13282+17977T>A (NM_003319.4); c.13858+17977T>A (NM_133437.4); c.13657+17977T>A (NM_133432.3); short protein forms F7846Y, F6602Y, F7529Y.
Identifiers: ClinVar variation 46720 (VCV000046720.5), dbSNP rs397517504, ClinGen allele CA139038.
Genomic context (GRCh38, chr2:178,720,105, plus strand): 5'-TATTTTCCAGAATTAGATGCTTCTGGACTCCCCAGCTGGAGGGTTGCAATGTTATCAATG[A>T]ATGAAATCCTGGTATTTTCACTCTCTCTGATGACTTCACCTCTATCTTTCAGCCAGACAA-3'
Protein context (NP_001254479.2, residues 7836-7856): IRESENTRIS[Phe7846Tyr]IDNIATLQLG

ClinVar aggregate classification (germline): Uncertain significance (1 of 4 stars; one submission).

Allele frequency attached by ClinVar (database versions not stated): gnomAD exomes below 0.00001.
gnomAD v4.1: 1 of 1,613,764 alleles (0.000062%); highest among the groups gnomAD compares: Non-Finnish European, 0.000085%; no homozygotes.

Submission:

Laboratory for Molecular Medicine, Mass General Brigham Personalized Medicine
Classification: Uncertain significance. Last evaluated: 2012-09-07. Review status: criteria provided, single submitter. Criteria: LMM Criteria. Collection method: clinical testing. Allele origin: germline. Observed: 1 variant allele.
Comment: Variant classified as Uncertain Significance - Favor Benign. The Phe6602Tyr vari ant in TTN has not been reported in the literature nor previously identified by our laboratory. The change to Tyrosine (Tyr) at position 6602 is observed in a d ifferent species (frog), suggesting that it may be tolerated. Other computationa l analyses (biochemical amino acid properties, AlignGVGD, PolyPhen2, and SIFT) a lso suggest that the Phe6602Tyr variant may not impact the protein, though this information is not predictive enough to rule out pathogenicity. This variant is less likely disease causing but additional studies are needed to fully assess it s clinical significance.